The following is an entry in ClinVar:

NM_144643.4(SCLT1):c.1512_1513del (p.Asn505fs)

Gene: SCLT1 (sodium channel and clathrin linker 1; minus strand). Cytogenetic location: 4q28.2.
Variant type: Microsatellite.
Coding change: c.1512_1513del on transcript NM_144643.4 (MANE Select); coding-DNA positions 1512 to 1513, 2 bases deleted (GA; older notation c.1512_1513delGA).
Protein change: p.Asn505fs; shifts the reading frame from asparagine 505.
Molecular consequence: frameshift variant.
Genome position (GRCh38, 1-based): chr4:128,943,115-128,943,116, TC deleted on the plus strand (GA on the coding strand, the reverse complement: SCLT1 is on the minus strand); deleting any 2 consecutive bases within chr4:128,943,115-128,943,124 gives the same sequence; the c. name uses the placement nearest the transcript's 3' end. VCF-style (leftmost placement, unchanged base first): chr4-128943114-TTC-T. GRCh37 (hg19) VCF-style: chr4-129864269-TTC-T.
Other names: short protein forms N505fs.
Identifiers: ClinVar variation 2060332 (VCV002060332.5), dbSNP rs2530334697, ClinGen allele CA2578195323.

ClinVar aggregate classification (germline): Pathogenic/Likely pathogenic. Review status: criteria provided, multiple submitters, no conflicts (2 of 4 stars). 2 submissions from 2 submitters: Pathogenic (1); Likely pathogenic (1). Last evaluated 2023-10-19.

Conditions:
SCLT1-related disorder. Also called: SCLT1-related condition.

Submissions (2):

Blueprint Genetics
Classification: Likely pathogenic for SCLT1-related disorders. Last evaluated: 2023-10-19. Review status: criteria provided, single submitter. Criteria: ACMG Guidelines, 2015. Collection method: clinical testing. Allele origin: germline. Affected: yes. Observed: 2 variant alleles.

Labcorp Genetics (formerly Invitae), Labcorp
Classification: Pathogenic. Last evaluated: 2021-12-25. Review status: criteria provided, single submitter. Criteria: Invitae Variant Classification Sherloc (09022015). Collection method: clinical testing. Allele origin: germline.
Comment: This variant has not been reported in the literature in individuals affected with SCLT1-related conditions. This variant is not present in population databases (gnomAD no frequency). This sequence change creates a premature translational stop signal (p.Asn505Leufs*6) in the SCLT1 gene. It is expected to result in an absent or disrupted protein product. Loss-of-function variants in SCLT1 are known to be pathogenic (PMID: 28005958). For these reasons, this variant has been classified as Pathogenic.

Literature cited by the submitters: PubMed 28005958 (cited by Labcorp Genetics (formerly Invitae), Labcorp).